The following is an entry in ClinVar:

ClinVar aggregate classification (germline): Pathogenic/Likely pathogenic. Review status: criteria provided, multiple submitters, no conflicts (2 of 4 stars). 2 submissions from 2 submitters: Pathogenic (1); Likely pathogenic (1). Last evaluated 2025-12-11.

Conditions:
Ichthyosis vulgaris. Also called: ICHTHYOSIS SIMPLEX; Dominant ichthyosis vulgaris. Identifiers: MedGen C0079584, MONDO:0024304, OMIM 146700.

Allele frequency attached by ClinVar (database versions not stated): gnomAD exomes below 0.00001; TOPMed 0.00001.

Submissions (2):

Variantyx, Inc.
Classification: Likely pathogenic for Ichthyosis vulgaris. Last evaluated: 2025-12-11. Review status: criteria provided, single submitter. Criteria: Variantyx Assertion Criteria 2022. Collection method: clinical testing. Allele origin: germline. Inheritance: Semidominant inheritance. Affected: no.
Comment: This is a frameshift variant in the FLG gene (OMIM: 135940). Pathogenic variants in this gene have been associated with autosomal semidominant ichthyosis vulgaris. This variant introduces a premature termination codon in exon 3 out of 3 and is expected to result in loss of function, which is a known disease mechanism for FLG in this disorder (PMID: 27793761, 27667308, 16444271) (PVS1). This variant has a 0.0003% maximum allele frequency in non-founder control populations (PM2). Inheritance from an unaffected or mildly affected parent has been reported, consistent with incomplete penetrance and variable expressivity for autosomal semidominant ichthyosis vulgaris (PMID: 22158554). Based on the current evidence, this variant is classified as likely pathogenic for autosomal¬† semidominant ichthyosis vulgaris.

GeneDx
Classification: Pathogenic. Last evaluated: 2024-05-31. Review status: criteria provided, single submitter. Criteria: GeneDx Variant Classification Process June 2021. Collection method: clinical testing. Allele origin: germline. Affected: yes.
Comment: Frameshift variant predicted to result in abnormal protein length as the last 2782 amino acids are replaced with 165 different amino acids, and other similar variants have been reported in HGMD; Not observed at significant frequency in large population cohorts (gnomAD); Has not been previously published as pathogenic or benign to our knowledge

Literature cited by the submitters: PubMed 27793761 (cited by Variantyx, Inc.); PubMed 27667308 (cited by Variantyx, Inc.); PubMed 16444271 (cited by Variantyx, Inc.).

NM_002016.2(FLG):c.3837del (p.Ser1280fs)

Genes: CCDST (cervical cancer associated DHX9 suppressive transcript; plus strand), FLG (filaggrin; minus strand). Cytogenetic location: 1q21.3.
Variant type: Deletion.
Coding change: c.3837del on transcript NM_002016.2 (MANE Select); coding-DNA position 3837, one base deleted (C; older notation c.3837delC).
Protein change: p.Ser1280fs; shifts the reading frame from serine 1280.
Molecular consequence: frameshift variant.
Genome position (GRCh38, 1-based): chr1:152,311,049, G deleted on the plus strand (C on the coding strand, the reverse complement: FLG is on the minus strand). VCF-style (leftmost placement, unchanged base first): chr1-152311048-AG-A. GRCh37 (hg19) VCF-style: chr1-152283524-AG-A.
Other names: c.3837delC (NM_002016.1); short protein forms S1280fs.
Identifiers: ClinVar variation 419144 (VCV000419144.4), dbSNP rs1064793675, ClinGen allele CA16616974.